The following is an entry in ClinVar:

NM_024675.4(PALB2):c.1316G>T (p.Gly439Val)

Gene: PALB2 (partner and localizer of BRCA2; minus strand). Cytogenetic location: 16p12.2.
Variant type: single nucleotide variant.
Coding change: c.1316G>T on transcript NM_024675.4 (MANE Select); coding-DNA position 1316, G replaced by T.
Protein change: p.Gly439Val; replaces glycine 439 with valine.
Molecular consequence: missense variant.
Genome position (GRCh38, 1-based): chr16:23,635,230, C>A on the plus strand (G>T on the coding strand, the complement: PALB2 is on the minus strand). VCF-style: chr16-23635230-C-A. GRCh37 (hg19) VCF-style: chr16-23646551-C-A.
Other names: short protein forms G439V.
Identifiers: ClinVar variation 188096 (VCV000188096.39), dbSNP rs537258442, ClinGen allele CA334035.

ClinVar aggregate classification (germline): Conflicting classifications of pathogenicity. Review status: criteria provided, conflicting classifications (1 of 4 stars). 14 submissions from 14 submitters: Uncertain significance (10); Likely benign (3). 1 of the submissions does not count toward it. Last evaluated 2026-04-09.

Conditions:
PALB2-related disorder. Also called: PALB2-related condition; PALB2-related disorders.
Hereditary cancer-predisposing syndrome. Also called: Neoplastic Syndromes, Hereditary; Tumor predisposition; Hereditary neoplastic syndrome; Hereditary Cancer Syndrome. Identifiers: Orphanet 140162, MedGen C0027672, MeSH D009386, MONDO:0015356.
Familial cancer of breast. Also called: Hereditary breast cancer; BREAST CANCER, FAMILIAL; hereditary breast carcinoma. Identifiers: Orphanet 227535, MedGen C0346153, MONDO:0016419, OMIM 114480. Disease mechanism: loss of function.
Pancreatic cancer, susceptibility to, 3. Identifiers: Orphanet 1333, MedGen C3150547, MONDO:0013236, OMIM 613348.
Fanconi anemia complementation group N. Also called: PALB2-Related Fanconi Anemia. Identifiers: Orphanet 84, MedGen C1835817, MONDO:0012565, OMIM 610832. Disease mechanism: loss of function.

Allele frequency attached by ClinVar (database versions not stated): ExAC 0.00001; gnomAD 0.00004 and 0.00005; TOPMed 0.00007; 1000 Genomes Project 30x 0.00016; 1000 Genomes Project 0.00020.
gnomAD v4.1: 17 of 1,614,048 alleles (0.0011%); highest among the groups gnomAD compares: African/African-American, 0.017%; no homozygotes.

Submissions (14):

PreventionGenetics, part of Exact Sciences
Classification: Uncertain significance for PALB2-related condition. Last evaluated: 2026-04-09. Review status: criteria provided, single submitter. Criteria: ACMG Guidelines, 2015. Collection method: clinical testing. Allele origin: germline.
Comment: The PALB2 c.1316G>T variant is predicted to result in the amino acid substitution p.Gly439Val. This variant has been reported in an individual with retinoblastoma (Table S4a_AD, Zhang et al. 2015. PubMed ID: 26580448). This variant has also been reported in control populations (Supplemental Data, Breast Cancer Association Consortium et al. 2021. PubMed ID: 33471991). This variant is reported in 0.0041% of alleles in individuals of African descent in gnomAD and has conflicting interpretations in ClinVar, ranging from uncertain to likely benign (Variation ID: 188096). At this time, the clinical significance of this variant is uncertain due to the absence of conclusive functional and genetic evidence.

Labcorp Genetics (formerly Invitae), Labcorp
Classification: Uncertain significance for Familial cancer of breast. Last evaluated: 2026-02-03. Review status: criteria provided, single submitter. Criteria: Invitae Variant Classification Sherloc (09022015). Collection method: clinical testing. Allele origin: germline.
Comment: This sequence change replaces glycine, which is neutral and non-polar, with valine, which is neutral and non-polar, at codon 439 of the PALB2 protein (p.Gly439Val). This variant is present in population databases (rs537258442, gnomAD 0.008%). This variant has not been reported in the literature in individuals affected with PALB2-related conditions. ClinVar contains an entry for this variant (Variation ID: 188096). Invitae Evidence Modeling of protein sequence and biophysical properties (such as structural, functional, and spatial information, amino acid conservation, physicochemical variation, residue mobility, and thermodynamic stability) indicates that this missense variant is expected to disrupt PALB2 protein function with a positive predictive value of 80%. In summary, the available evidence is currently insufficient to determine the role of this variant in disease. Therefore, it has been classified as a Variant of Uncertain Significance.

Women's Health and Genetics/Laboratory Corporation of America, LabCorp
Classification: Uncertain significance. Last evaluated: 2025-07-29. Review status: criteria provided, single submitter. Criteria: LabCorp Variant Classification Summary - May 2015. Collection method: clinical testing. Allele origin: germline.
Comment: Variant summary: PALB2 c.1316G>T (p.Gly439Val) results in a non-conservative amino acid change in the encoded protein sequence. Algorithms developed to predict the effect of missense changes on protein structure and function are either unavailable or do not agree on the potential impact of this missense change. The variant allele was found at a frequency of 4e-06 in 249874 control chromosomes. The available data on variant occurrences in the general population are insufficient to allow any conclusion about variant significance. c.1316G>T has been observed in an individual affected with retinoblastoma (example: Zhang_2015). This report does not provide unequivocal conclusions about association of the variant with Hereditary Breast And Ovarian Cancer Syndrome. To our knowledge, no experimental evidence demonstrating an impact on protein function has been reported. The following publication has been ascertained in the context of this evaluation (PMID: 26580448). ClinVar contains an entry for this variant (Variation ID: 188096). Based on the evidence outlined above, the variant was classified as uncertain significance.

Ambry Genetics
Classification: Likely benign for Hereditary cancer-predisposing syndrome. Last evaluated: 2025-07-23. Review status: criteria provided, single submitter. Criteria: Ambry Variant Classification Scheme 2023. Collection method: clinical testing. Allele origin: germline.

Quest Diagnostics Nichols Institute San Juan Capistrano
Classification: Uncertain significance. Last evaluated: 2025-03-16. Review status: criteria provided, single submitter. Criteria: Quest Diagnostics criteria. Collection method: clinical testing. Allele origin: unknown.
Comment: The PALB2 c.1316G>T (p.Gly439Val) variant has been reported in the published literature in a large breast cancer association study in an unaffected individual (PMID: 33471991 (2021), see also LOVD). The frequency of this variant in the general population (Genome Aggregation Database) is uninformative in the assessment of its pathogenicity. Analysis of this variant using bioinformatics tools for the prediction of the effect of amino acid changes on protein structure and function yielded conflicting predictions that this variant is benign or damaging. Based on the available information, we are unable to determine the clinical significance of this variant.

GeneDx
Classification: Uncertain significance. Last evaluated: 2024-04-02. Review status: criteria provided, single submitter. Criteria: GeneDx Variant Classification Process June 2021. Collection method: clinical testing. Allele origin: germline. Affected: yes.
Comment: Not observed at significant frequency in large population cohorts (gnomAD); In silico analysis supports that this missense variant has a deleterious effect on protein structure/function; Observed in an individual with retinoblastoma (PMID: 26580448); This variant is associated with the following publications: (PMID: 26580448, 33471991, 22193777)

Baylor Genetics
Classification: Uncertain significance for Familial cancer of breast. Last evaluated: 2024-02-27. Review status: criteria provided, single submitter. Criteria: ACMG Guidelines, 2015. Collection method: clinical testing. Allele origin: unknown.

Myriad Genetics, Inc.
Classification: Likely benign for Familial cancer of breast. Last evaluated: 2023-03-30. Review status: criteria provided, single submitter. Criteria: Myriad Autosomal Dominant, Autosomal Recessive and X-Linked Classification Criteria (2023). Collection method: clinical testing. Allele origin: unknown.
Comment: This variant is considered likely benign. This variant is strongly associated with less severe personal and family histories of cancer, typical for individuals without pathogenic variants in this gene [PMID: 25085752].

ARUP Laboratories, Molecular Genetics and Genomics, ARUP Laboratories
Classification: Likely benign. Last evaluated: 2023-01-06. Review status: criteria provided, single submitter. Criteria: ARUP Molecular Germline Variant Investigation Process 2024. Collection method: clinical testing. Allele origin: germline.

Color Diagnostics, LLC DBA Color Health
Classification: Uncertain significance for Hereditary cancer-predisposing syndrome. Last evaluated: 2022-04-18. Review status: criteria provided, single submitter. Criteria: ACMG Guidelines, 2015. Collection method: clinical testing. Allele origin: germline.
Comment: This missense variant replaces glycine with valine at codon 439 of the PALB2 protein. Computational prediction suggests that this variant may not impact protein structure and function (internally defined REVEL score threshold <= 0.5, PMID: 27666373). To our knowledge, functional studies have not been reported for this variant. This variant has been detected in a breast cancer case-control meta-analysis in 0/60463 cases and 1/53461 unaffected individuals (PMID: 33471991; Leiden Open Variation Database DB-ID PALB2_010728). This variant has been identified in 3/281264 chromosomes in the general population by the Genome Aggregation Database (gnomAD). The available evidence is insufficient to determine the role of this variant in disease conclusively. Therefore, this variant is classified as a Variant of Uncertain Significance.

Sema4
Classification: Uncertain significance for Hereditary cancer-predisposing syndrome. Last evaluated: 2021-11-23. Review status: criteria provided, single submitter. Criteria: Sema4 Curation Guidelines. Collection method: curation. Allele origin: germline.
Comment: The PALB2 c.1316G>T (p.G439V) variant has not been reported in the literature in individuals with a PALB2-related disease to our knowledge. It has been reported in a large case-control study of breast cancer in 0/60466 cases and 1/53461 controls (PMID: 33471991). It was observed in 3/281264 chromosomes across all populations, with no homozygotes, in the large and broad cohorts of the Genome Aggregation Database (PMID: 32461654). This variant has been reported in ClinVar (Variation ID 188096). In silico tools suggest the impact of the variant on protein function is benign, though these predictions have not been confirmed by functional studies. The evidence is insufficient to meet ACMG/AMP criteria for classifying the variant as benign or pathogenic. Thus, the clinical significance of this variant is currently uncertain.

Genetic Services Laboratory, University of Chicago
Classification: Uncertain significance. Last evaluated: 2020-07-14. Review status: criteria provided, single submitter. Criteria: ACMG Guidelines, 2015. Collection method: clinical testing. Allele origin: germline. Affected: no.

Fulgent Genetics
Classification: Uncertain significance for Familial cancer of breast; Fanconi anemia complementation group N; Pancreatic cancer, susceptibility to, 3. Last evaluated: 2018-10-31. Review status: criteria provided, single submitter. Criteria: ACMG Guidelines, 2015. Collection method: clinical testing. Allele origin: unknown.

Counsyl
Classification: Uncertain significance for Familial cancer of breast. Last evaluated: 2017-01-04. Review status: no assertion criteria provided. Collection method: clinical testing. Allele origin: unknown. Not counted in ClinVar's aggregate classification.

Literature cited by the submitters: PubMed 26580448 (cited by Women's Health and Genetics/Laboratory Corporation of America, LabCorp and Ambry Genetics); PubMed 32832836 (cited by Quest Diagnostics Nichols Institute San Juan Capistrano); PubMed 35585550 (cited by Quest Diagnostics Nichols Institute San Juan Capistrano); PubMed 33471991 (cited by 3 submitters); PubMed 25085752 (cited by Myriad Genetics, Inc.).